The following is an entry in ClinVar:

ClinVar aggregate classification (germline): Pathogenic. Review status: criteria provided, multiple submitters, no conflicts (2 of 4 stars). 2 submissions from 2 submitters: Pathogenic (2). Last evaluated 2024-07-30.

Conditions:
Hypertrophic cardiomyopathy. Also called: HYPERTROPHIC MYOCARDIOPATHY. Identifiers: Orphanet 217569, MedGen C0007194, MeSH D002312, MONDO:0005045, HP:0001639.

Submissions (2):

Labcorp Genetics (formerly Invitae), Labcorp
Classification: Pathogenic for Hypertrophic cardiomyopathy. Last evaluated: 2024-07-30. Review status: criteria provided, single submitter. Criteria: Invitae Variant Classification Sherloc (09022015). Collection method: clinical testing. Allele origin: germline.
Comment: This sequence change creates a premature translational stop signal (p.Ala58Profs*9) in the MYBPC3 gene. It is expected to result in an absent or disrupted protein product. Loss-of-function variants in MYBPC3 are known to be pathogenic (PMID: 19574547). This variant is not present in population databases (gnomAD no frequency). This variant has not been reported in the literature in individuals affected with MYBPC3-related conditions. ClinVar contains an entry for this variant (Variation ID: 181089). For these reasons, this variant has been classified as Pathogenic.

GeneDx
Classification: Pathogenic. Last evaluated: 2013-03-28. Review status: criteria provided, single submitter. Criteria: GeneDx Variant Classification (06012015). Collection method: clinical testing. Allele origin: germline. Affected: yes.
Comment: Although the c.172delG mutation in the MYBPC3 gene has not been reported to our knowledge, this mutation causes a shift in reading frame starting at codon Alanine 58, changing it to a Proline, and creating a premature stop codon at position 9 of the new reading frame, denoted p.Ala58ProfsX9. This mutation is expected to result in either an abnormal, truncated protein product or loss of protein from this allele through nonsensemediated mRNA decay. Other frameshift mutations in the MYBPC3 gene have been reported in association with HCM.

Literature cited by the submitters: PubMed 19574547 (cited by Labcorp Genetics (formerly Invitae), Labcorp).

NM_000256.3(MYBPC3):c.172del (p.Ala58fs)

Gene: MYBPC3 (myosin binding protein C3; minus strand). Cytogenetic location: 11p11.2.
Variant type: Deletion.
Coding change: c.172del on transcript NM_000256.3 (MANE Select); coding-DNA position 172, one base deleted (G; older notation c.172delG).
Protein change: p.Ala58fs; shifts the reading frame from alanine 58.
Molecular consequence: frameshift variant.
Genome position (GRCh38, 1-based): chr11:47,351,359, C deleted on the plus strand (G on the coding strand, the reverse complement: MYBPC3 is on the minus strand); the first of 2 consecutive C bases (chr11:47,351,359-47,351,360); deleting either gives the same sequence. VCF-style (leftmost placement, unchanged base first): chr11-47351358-GC-G. GRCh37 (hg19) VCF-style: chr11-47372909-GC-G.
Other names: c.172del, p.Ala58fs (LRG_386t1); c.172delG (NM_000256.3); short protein forms A58fs.
Identifiers: ClinVar variation 181089 (VCV000181089.4), dbSNP rs730880662, ClinGen allele CA011009.